The following is an entry in ClinVar:

NM_145064.3(STAC3):c.893C>G (p.Pro298Arg)

Gene: STAC3 (SH3 and cysteine rich domain 3; minus strand). Cytogenetic location: 12q13.3.
Variant type: single nucleotide variant.
Coding change: c.893C>G on transcript NM_145064.3 (MANE Select); coding-DNA position 893, C replaced by G.
Protein change: p.Pro298Arg; replaces proline 298 with arginine.
Molecular consequence: missense variant. On other transcripts: non-coding transcript variant (1).
Genome position (GRCh38, 1-based): chr12:57,244,191, G>C on the plus strand (C>G on the coding strand, the complement: STAC3 is on the minus strand). VCF-style: chr12-57244191-G-C. GRCh37 (hg19) VCF-style: chr12-57637974-G-C.
Other names: c.776C>G, p.Pro259Arg (NM_001286256.2); c.335C>G, p.Pro112Arg (NM_001286257.2); short protein forms P298R, P112R, P259R.
Identifiers: ClinVar variation 1395579 (VCV001395579.6), dbSNP rs2136821900, ClinGen allele CA385410756.

ClinVar aggregate classification (germline): Uncertain significance (1 of 4 stars; one submission).

Conditions:
Bailey-Bloch congenital myopathy (CMYO13). Also called: Native American myopathy; Congenital myopathy 13; STAC3 disorder. Identifiers: Orphanet 168572, MedGen C1850625, MONDO:0009722, OMIM 255995.

Submission:

Labcorp Genetics (formerly Invitae), Labcorp
Classification: Uncertain significance for Bailey-Bloch congenital myopathy. Last evaluated: 2021-11-28. Review status: criteria provided, single submitter. Criteria: Invitae Variant Classification Sherloc (09022015). Collection method: clinical testing. Allele origin: germline.
Comment: In summary, the available evidence is currently insufficient to determine the role of this variant in disease. Therefore, it has been classified as a Variant of Uncertain Significance. This sequence change replaces proline, which is neutral and non-polar, with arginine, which is basic and polar, at codon 298 of the STAC3 protein (p.Pro298Arg). This variant is not present in population databases (gnomAD no frequency). This variant has not been reported in the literature in individuals affected with STAC3-related conditions. Algorithms developed to predict the effect of missense changes on protein structure and function (SIFT, PolyPhen-2, Align-GVGD) all suggest that this variant is likely to be tolerated.